The following is an entry in ClinVar:

NM_015166.4(MLC1):c.597A>G (p.Ser199=)

Gene: MLC1 (modulator of VRAC current 1; minus strand). Cytogenetic location: 22q13.33.
Variant type: single nucleotide variant.
Coding change: c.597A>G on transcript NM_015166.4 (MANE Select); coding-DNA position 597, A replaced by G.
Protein change: p.Ser199=; no amino-acid change (serine 199 retained).
Molecular consequence: synonymous variant. On other transcripts: non-coding transcript variant (3).
Genome position (GRCh38, 1-based): chr22:50,076,841, T>C on the plus strand (A>G on the coding strand, the complement: MLC1 is on the minus strand). VCF-style: chr22-50076841-T-C. GRCh37 (hg19) VCF-style: chr22-50515270-T-C.
Other names: p.Ser199=; c.597A>G, p.Ser199= (NM_001376472.1, NM_001376473.1, NM_001376474.1 and 6 more transcripts); c.507A>G, p.Ser169= (NM_001376480.1); c.495A>G, p.Ser165= (NM_001376481.1); c.441A>G, p.Ser147= (NM_001376482.1, NM_001376483.1); c.360A>G, p.Ser120= (NM_001376484.1).
Identifiers: ClinVar variation 129615 (VCV000129615.27), dbSNP rs6010164, ClinGen allele CA153706.
Genomic context (GRCh38, chr22:50,076,841, plus strand): 5'-CAGCCTCAGTCACCCCCGACAGAGTATGAGAGAAAAGAGAAAGAAGGGAAGTTTTCTTAC[T>C]GAGTAAGATTTCAGGACCCGAGCAGGAAATGGCACTTCGTCCAGAATGTTGGCGCTGTCA-3'
Protein context (NP_055981.1, residues 189-209): PFPARVLKSY[Ser199=]VVEVIAGISA

ClinVar aggregate classification (germline): Benign. Review status: criteria provided, multiple submitters, no conflicts (2 of 4 stars). 10 submissions from 10 submitters: Benign (8). 2 of the submissions do not count toward it. Last evaluated 2026-02-04.

Conditions:
Megalencephalic leukoencephalopathy with subcortical cysts. Also called: VAN DER KNAAP DISEASE. Identifiers: Orphanet 2478, MedGen C1858854, MONDO:0011391.
Megalencephalic leukoencephalopathy with subcortical cysts 1 (MLC1). Also called: LEUKOENCEPHALOPATHY WITH SWELLING AND CYSTS; VACUOLATING MEGALENCEPHALIC LEUKOENCEPHALOPATHY WITH SUBCORTICAL CYSTS. Identifiers: Orphanet 2478, MedGen C5779875, MONDO:0024555, OMIM 604004.

Allele frequency attached by ClinVar (database versions not stated): gnomAD 0.11147 and 0.11582; ESP Exome Variant Server 0.11302; TOPMed 0.11893; gnomAD exomes 0.12455 and 0.12884; ExAC 0.12704; 1000 Genomes Project 30x 0.12820; 1000 Genomes Project 0.13059.
gnomAD v4.1: 205,688 of 1,612,712 alleles (13%); highest among the groups gnomAD compares: South Asian, 22%; 13,883 homozygotes.

Submissions (10):

Labcorp Genetics (formerly Invitae), Labcorp
Classification: Benign. Last evaluated: 2026-02-04. Review status: criteria provided, single submitter. Criteria: Invitae Variant Classification Sherloc (09022015). Collection method: clinical testing. Allele origin: germline.

Blueprint Genetics
Classification: Benign. Last evaluated: 2024-11-28. Review status: criteria provided, single submitter. Criteria: ACMG Guidelines, 2015. Collection method: clinical testing. Allele origin: germline.

Mayo Clinic Laboratories, Mayo Clinic
Classification: Benign. Last evaluated: 2022-03-24. Review status: criteria provided, single submitter. Criteria: ACMG Guidelines, 2015. Collection method: clinical testing. Allele origin: germline. Observed: 104 variant alleles.

Genome-Nilou Lab
Classification: Benign for Megalencephalic leukoencephalopathy with subcortical cysts 1. Last evaluated: 2021-06-10. Review status: criteria provided, single submitter. Criteria: ACMG Guidelines, 2015. Collection method: clinical testing. Allele origin: germline. Affected: no.

GeneDx
Classification: Benign. Last evaluated: 2021-05-04. Review status: criteria provided, single submitter. Criteria: GeneDx Variant Classification Process June 2021. Collection method: clinical testing. Allele origin: germline. Affected: yes.

Illumina Laboratory Services, Illumina
Classification: Benign for Megalencephalic leukoencephalopathy with subcortical cysts 1. Last evaluated: 2018-01-13. Review status: criteria provided, single submitter. Criteria: ICSL Variant Classification Criteria 13 December 2019. Collection method: clinical testing. Allele origin: germline.
Comment: This variant was observed in the ICSL laboratory as part of a predisposition screen in an ostensibly healthy population. It had not been previously curated by ICSL or reported in the Human Gene Mutation Database (HGMD: prior to June 1st, 2018), and was therefore a candidate for classification through an automated scoring system. Utilizing variant allele frequency, disease prevalence and penetrance estimates, and inheritance mode, an automated score was calculated to assess if this variant is too frequent to cause the disease. Based on the score and internal cut-off values, a variant classified as benign is not then subjected to further curation. The score for this variant resulted in a classification of benign for this disease.

Breakthrough Genomics
Classification: Benign. Review status: criteria provided, single submitter. Criteria: ACMG Guidelines, 2015. Collection method: not provided. Allele origin: germline. Inheritance: Autosomal recessive inheritance. Affected: yes.

PreventionGenetics, part of Exact Sciences
Classification: Benign. Review status: criteria provided, single submitter. Criteria: ACMG Guidelines, 2015. Collection method: clinical testing. Allele origin: germline.

Natera, Inc.
Classification: Benign for Megalencephalic leukoencephalopathy with subcortical cysts. Last evaluated: 2019-12-09. Review status: no assertion criteria provided. Collection method: clinical testing. Allele origin: germline. Not counted in ClinVar's aggregate classification.

Genetic Services Laboratory, University of Chicago
Classification: Likely benign for AllHighlyPenetrant. Review status: no assertion criteria provided. Collection method: clinical testing. Allele origin: germline. Inheritance: Autosomal recessive inheritance. Not counted in ClinVar's aggregate classification.
Comment: Likely benign based on allele frequency in 1000 Genomes Project or ESP global frequency and its presence in a patient with a rare or unrelated disease phenotype. NOT Sanger confirmed.